The following is an entry in ClinVar:

NM_014003.4(DHX38):c.3600-3C>A

Gene: DHX38 (DEAH-box helicase 38; plus strand). Cytogenetic location: 16q22.2.
Variant type: single nucleotide variant.
Coding change: c.3600-3C>A on transcript NM_014003.4 (MANE Select); 3 bases into the intron before coding-DNA position 3600, C replaced by A.
Molecular consequence: intron variant.
Genome position (GRCh38, 1-based): chr16:72,112,410, C>A. VCF-style: chr16-72112410-C-A. GRCh37 (hg19) VCF-style: chr16-72146309-C-A.
Identifiers: ClinVar variation 1003598 (VCV001003598.9), dbSNP rs1318617864, ClinGen allele CA723551770.

ClinVar aggregate classification (germline): Uncertain significance (1 of 4 stars; one submission).

Allele frequency attached by ClinVar (database versions not stated): gnomAD exomes below 0.00001; TOPMed below 0.00001; gnomAD 0.00001.
gnomAD v4.1: 3 of 1,571,272 alleles (0.00019%); highest among the groups gnomAD compares: Non-Finnish European, 0.00026%; no homozygotes.

Submission:

Labcorp Genetics (formerly Invitae), Labcorp
Classification: Uncertain significance. Last evaluated: 2020-01-21. Review status: criteria provided, single submitter. Criteria: Invitae Variant Classification Sherloc (09022015). Collection method: clinical testing. Allele origin: germline.
Comment: This sequence change falls in intron 26 of the DHX38 gene. It does not directly change the encoded amino acid sequence of the DHX38 protein, but it affects a nucleotide within the consensus splice site of the intron. This variant is not present in population databases (ExAC no frequency). This variant has not been reported in the literature in individuals with DHX38-related conditions. Nucleotide substitutions within the consensus splice site are a relatively common cause of aberrant splicing (PMID: 17576681, 9536098). Algorithms developed to predict the effect of sequence changes on RNA splicing suggest that this variant may disrupt the consensus splice site, but this prediction has not been confirmed by published transcriptional studies. In summary, the available evidence is currently insufficient to determine the role of this variant in disease. Therefore, it has been classified as a Variant of Uncertain Significance.

Literature cited by the submitters: PubMed 17576681; PubMed 9536098.